The following is an entry in ClinVar:

ClinVar aggregate classification (germline): Uncertain significance (1 of 4 stars; one submission).

Conditions:
Alagille syndrome due to a JAG1 point mutation. Also called: HEPATIC DUCTULAR HYPOPLASIA, SYNDROMATIC; Alagille Syndrome 1; JAG1-Related Alagille Syndrome. Identifiers: Orphanet 261619, Orphanet 52, MedGen C1956125, MONDO:0016862, OMIM 118450.

Submission:

Baylor Genetics
Classification: Uncertain significance for Alagille syndrome due to a JAG1 point mutation. Last evaluated: 2019-05-27. Review status: criteria provided, single submitter. Criteria: ACMG Guidelines, 2015. Collection method: clinical testing. Allele origin: paternal. Affected: yes.
Comment: This variant was determined to be of uncertain significance according to ACMG Guidelines, 2015 [PMID:25741868].

NM_000214.3(JAG1):c.1724T>C (p.Ile575Thr)

Gene: JAG1 (jagged canonical Notch ligand 1; minus strand). Cytogenetic location: 20p12.2.
Variant type: single nucleotide variant.
Coding change: c.1724T>C on transcript NM_000214.3 (MANE Select); coding-DNA position 1724, T replaced by C.
Protein change: p.Ile575Thr; replaces isoleucine 575 with threonine.
Molecular consequence: missense variant.
Genome position (GRCh38, 1-based): chr20:10,647,100, A>G on the plus strand (T>C on the coding strand, the complement: JAG1 is on the minus strand). VCF-style: chr20-10647100-A-G. GRCh37 (hg19) VCF-style: chr20-10627748-A-G.
Other names: short protein forms I575T.
Identifiers: ClinVar variation 1028617 (VCV001028617.1), dbSNP rs2067314756, ClinGen allele CA408236676.
Genomic context (GRCh38, chr20:10,647,100, plus strand): 5'-GAAATATACCGCACCCCTTCAGGTGTGTCGTTGGAAGCCATGGCCACTGTGCAGCTGTCA[A>G]TCACTAGAAGATAGGCTTGGGATCAGATCACAGCCATGCACCCACAGATGCGGCATTCCT-3'
Protein context (NP_000205.1, residues 565-585): DHCRTTPCEV[Ile575Thr]DSCTVAMASN